The following is an entry in ClinVar:

ClinVar aggregate classification (germline): Likely pathogenic. Review status: criteria provided, multiple submitters, no conflicts (2 of 4 stars). 2 submissions from 2 submitters: Likely pathogenic (2). Last evaluated 2024-06-06.

Conditions:
VPS13A-related neurodegenerative disease. Also called: LEVINE-CRITCHLEY SYNDROME; Choreoacanthocytosis; Chorea-acanthocytosis; Choreaacanthocytosis; VPS13A Disease; ACANTHOCYTOSIS WITH NEUROLOGIC DISORDER. Identifiers: Orphanet 2388, MedGen C0393576, MONDO:0008695, OMIM 200150.

Allele frequency attached by ClinVar (database versions not stated): gnomAD exomes below 0.00001.
gnomAD v4.1: 1 of 1,609,520 alleles (0.000062%); highest among the groups gnomAD compares: South Asian, 0.0011%; no homozygotes.

Submissions (2):

Natera, Inc.
Classification: Likely pathogenic for Choreaacanthocytosis. Last evaluated: 2024-06-06. Review status: criteria provided, single submitter. Criteria: Natera Variant Classification Schema (03/2026). Collection method: clinical testing. Allele origin: germline.
Comment: The c.7652+1G>A variant in VPS13A is a canonical splice donor site variant predicted to affect pre-mRNA splicing, which may result in an abnormal transcript and altered protein product. This variant is expected to result in nonsense mediated decay, truncation, or a dysfunctional protein product. This variant is rare in the general population with a frequency below the threshold expected for the associated phenotype(s). Given the available evidence, this variant is classified as Likely Pathogenic.

Labcorp Genetics (formerly Invitae), Labcorp
Classification: Likely pathogenic. Last evaluated: 2023-12-01. Review status: criteria provided, single submitter. Criteria: Invitae Variant Classification Sherloc (09022015). Collection method: clinical testing. Allele origin: germline.
Comment: This sequence change affects a donor splice site in intron 54 of the VPS13A gene. It is expected to disrupt RNA splicing. Variants that disrupt the donor or acceptor splice site typically lead to a loss of protein function (PMID: 16199547), and loss-of-function variants in VPS13A are known to be pathogenic (PMID: 12404112, 21598378). This variant is present in population databases (no rsID available, gnomAD 0.003%). This variant has not been reported in the literature in individuals affected with VPS13A-related conditions. Algorithms developed to predict the effect of sequence changes on RNA splicing suggest that this variant may disrupt the consensus splice site. In summary, the currently available evidence indicates that the variant is pathogenic, but additional data are needed to prove that conclusively. Therefore, this variant has been classified as Likely Pathogenic.

Literature cited by the submitters: PubMed 16199547 (cited by Labcorp Genetics (formerly Invitae), Labcorp); PubMed 12404112 (cited by Labcorp Genetics (formerly Invitae), Labcorp); PubMed 21598378 (cited by Labcorp Genetics (formerly Invitae), Labcorp).

NM_033305.3(VPS13A):c.7652+1G>A

Gene: VPS13A (vacuolar protein sorting 13 homolog A; plus strand). Cytogenetic location: 9q21.2.
Variant type: single nucleotide variant.
Coding change: c.7652+1G>A on transcript NM_033305.3 (MANE Select); the canonical splice donor site of the intron after coding-DNA position 7652, G replaced by A.
Molecular consequence: splice donor variant.
Genome position (GRCh38, 1-based): chr9:77,353,642, G>A. VCF-style: chr9-77353642-G-A. GRCh37 (hg19) VCF-style: chr9-79968558-G-A.
Other names: c.7535+1G>A (NM_001018037.2); c.7652+1G>A (NM_015186.4, NM_001018038.3, NM_033305.2).
Identifiers: ClinVar variation 2699226 (VCV002699226.4), dbSNP rs1318813788, ClinGen allele CA373856799.